The following is an entry in ClinVar:

NM_012309.5(SHANK2):c.4547T>A (p.Ile1516Asn)

Gene: SHANK2 (SH3 and multiple ankyrin repeat domains 2; minus strand). Cytogenetic location: 11q13.3.
Variant type: single nucleotide variant.
Coding change: c.4547T>A on transcript NM_012309.5 (MANE Select); coding-DNA position 4547, T replaced by A.
Protein change: p.Ile1516Asn; replaces isoleucine 1516 with asparagine.
Molecular consequence: missense variant.
Genome position (GRCh38, 1-based): chr11:70,485,746, A>T on the plus strand (T>A on the coding strand, the complement: SHANK2 is on the minus strand). VCF-style: chr11-70485746-A-T. GRCh37 (hg19) VCF-style: chr11-70331851-A-T.
Other names: c.3410T>A, p.Ile1137Asn (NM_001379226.1); c.2783T>A, p.Ile928Asn (NM_133266.5); short protein forms I1137N, I1516N, I928N.
Identifiers: ClinVar variation 2662890 (VCV002662890.1), dbSNP rs2495471780, ClinGen allele CA381681671.
Genomic context (GRCh38, chr11:70,485,746, plus strand): 5'-CCATCTGCATAGACTGTGCAGGTGTCCACATTCTCTCCACCTTCGGAAGACAGGGTGGAG[A>T]TGCTAGACACGGTGGAGATAGTGCTGGTCGTCTCGAGGTGGTGGTCGCTGCTACTCCGGC-3'
Protein context (NP_036441.2, residues 1506-1526): TTSTISTVSS[Ile1516Asn]STLSSEGGEN

ClinVar aggregate classification (germline): Uncertain significance (1 of 4 stars; one submission).

Allele frequency attached by ClinVar (database versions not stated): gnomAD exomes below 0.00001.
gnomAD v4.1: 1 of 1,613,954 alleles (0.000062%); highest among the groups gnomAD compares: Non-Finnish European, 0.000085%; no homozygotes.

Submission:

GeneDx
Classification: Uncertain significance. Last evaluated: 2022-11-04. Review status: criteria provided, single submitter. Criteria: GeneDx Variant Classification Process June 2021. Collection method: clinical testing. Allele origin: germline. Affected: yes.
Comment: Not observed at significant frequency in large population cohorts (gnomAD); In silico analysis supports that this missense variant does not alter protein structure/function; Has not been previously published as pathogenic or benign to our knowledge